The following is an entry in ClinVar:

ClinVar aggregate classification (germline): Uncertain significance (1 of 4 stars; one submission).

Conditions:
Ehlers-Danlos syndrome, type 4 (EDSVASC). Also called: Ehlers-Danlos syndrome vascular type; Ehlers Danlos syndrome, ecchymotic type; Ehlers Danlos syndrome, arterial type; Ehlers Danlos syndrome, Sack-Barabas type; Ehlers-Danlos Syndrome Type IV. Identifiers: Orphanet 286, MedGen C0268338, MONDO:0017314, OMIM 130050.

Submission:

Labcorp Genetics (formerly Invitae), Labcorp
Classification: Uncertain significance for Ehlers-Danlos syndrome, type 4. Last evaluated: 2024-11-30. Review status: criteria provided, single submitter. Criteria: Invitae Variant Classification Sherloc (09022015). Collection method: clinical testing. Allele origin: germline.
Comment: This sequence change replaces phenylalanine, which is neutral and non-polar, with isoleucine, which is neutral and non-polar, at codon 1338 of the COL3A1 protein (p.Phe1338Ile). This variant is not present in population databases (gnomAD no frequency). This missense change has been observed in individual(s) with COL3A1-related conditions (PMID: 29907982). Experimental studies and prediction algorithms are not available or were not evaluated, and the functional significance of this variant is currently unknown. In summary, the available evidence is currently insufficient to determine the role of this variant in disease. Therefore, it has been classified as a Variant of Uncertain Significance.

Literature cited by the submitters: PubMed 29907982.

NM_000090.4(COL3A1):c.4012T>A (p.Phe1338Ile)

Gene: COL3A1 (collagen type III alpha 1 chain; plus strand). Cytogenetic location: 2q32.2.
Variant type: single nucleotide variant.
Coding change: c.4012T>A on transcript NM_000090.4 (MANE Select); coding-DNA position 4012, T replaced by A.
Protein change: p.Phe1338Ile; replaces phenylalanine 1338 with isoleucine.
Molecular consequence: missense variant.
Genome position (GRCh38, 1-based): chr2:189,010,648, T>A. VCF-style: chr2-189010648-T-A. GRCh37 (hg19) VCF-style: chr2-189875374-T-A.
Other names: short protein forms F1338I.
Identifiers: ClinVar variation 3704371 (VCV003704371.2).